The following is an entry in ClinVar:

ClinVar aggregate classification (germline): Likely benign. Review status: criteria provided, multiple submitters, no conflicts (2 of 4 stars). 2 submissions from 2 submitters: Likely benign (2). Last evaluated 2024-04-17.

Conditions:
Neuropathy, hereditary sensory, type 2C. Also called: Hereditary sensory and autonomic neuropathy type IIC; KIF1A-Related HSAN2 (HSAN2C). Identifiers: Orphanet 970, MedGen C3280168, MONDO:0013634, OMIM 614213.
Intellectual disability, autosomal dominant 9 (NESCAVS). Also called: NESCAV SYNDROME; KIF1A-Related Neurodevelopmental Disorder. Identifiers: Orphanet 662367, MedGen C5393830, MONDO:0013656, OMIM 614255.
Hereditary spastic paraplegia 30. Identifiers: Orphanet 101010, MedGen C5235139, MONDO:0012476.

Allele frequency attached by ClinVar (database versions not stated): gnomAD 0.00001; TOPMed 0.00001.
gnomAD v4.1: 2 of 1,609,552 alleles (0.00012%); highest among the groups gnomAD compares: African/African-American, 0.0027%; no homozygotes.

Submissions (2):

Labcorp Genetics (formerly Invitae), Labcorp
Classification: Likely benign for Hereditary spastic paraplegia 30; Neuropathy, hereditary sensory, type 2C; Intellectual disability, autosomal dominant 9. Last evaluated: 2024-04-17. Review status: criteria provided, single submitter. Criteria: Invitae Variant Classification Sherloc (09022015). Collection method: clinical testing. Allele origin: germline.

GeneDx
Classification: Likely benign. Last evaluated: 2017-03-22. Review status: criteria provided, single submitter. Criteria: GeneDx Variant Classification (06012015). Collection method: clinical testing. Allele origin: germline. Affected: yes.
Comment: This variant is considered likely benign or benign based on one or more of the following criteria: it is a conservative change, it occurs at a poorly conserved position in the protein, it is predicted to be benign by multiple in silico algorithms, and/or has population frequency not consistent with disease.

NM_001244008.2(KIF1A):c.3640+13T>C

Gene: KIF1A (kinesin family member 1A; minus strand). Cytogenetic location: 2q37.3.
Variant type: single nucleotide variant.
Coding change: c.3640+13T>C on transcript NM_001244008.2 (MANE Select); 13 bases into the intron after coding-DNA position 3640, T replaced by C.
Molecular consequence: intron variant.
Genome position (GRCh38, 1-based): chr2:240,742,916, A>G on the plus strand (T>C on the coding strand, the complement: KIF1A is on the minus strand). VCF-style: chr2-240742916-A-G. GRCh37 (hg19) VCF-style: chr2-241682333-A-G.
Other names: c.3337+13T>C (NM_001379653.1, NM_001379650.1, NM_001379641.1 and 5 more transcripts); c.3613+13T>C (NM_001379645.1, NM_001379633.1, NM_001379642.1); c.3439+13T>C (NM_001379635.1, NM_001330290.2, NM_001379646.1 and 1 more transcripts); c.3334+13T>C (NM_001379640.1); c.3589+13T>C (NM_001379632.1); c.3412+13T>C (NM_001379637.1, NM_001379648.1); c.3364+13T>C (NM_001320705.2, NM_001379638.1, NM_001330289.2); c.3715+13T>C (NM_001379631.1).
Identifiers: ClinVar variation 508131 (VCV000508131.6), dbSNP rs1361694043, ClinGen allele CA540549923.